The following is an entry in ClinVar:

NM_004304.5(ALK):c.257_263dup (p.Ser90fs)

Gene: ALK (ALK receptor tyrosine kinase; minus strand). Cytogenetic location: 2p23.1.
Variant type: Microsatellite.
Coding change: c.257_263dup on transcript NM_004304.5 (MANE Select); coding-DNA positions 257 to 263, 7 bases duplicated (AGGCCCG; older notation c.257_263dupAGGCCCG).
Protein change: p.Ser90fs; shifts the reading frame from serine 90.
Molecular consequence: frameshift variant.
Genome position (GRCh38, 1-based): chr2:29,920,397-29,920,403, CGGGCCT duplicated on the plus strand (AGGCCCG on the coding strand, the reverse complement: ALK is on the minus strand); duplicating any 7 consecutive bases within chr2:29,920,397-29,920,410 gives the same sequence; the c. name uses the placement nearest the transcript's 3' end. VCF-style (leftmost placement, unchanged base first): chr2-29920396-G-GCGGGCCT. GRCh37 (hg19) VCF-style: chr2-30143262-G-GCGGGCCT.
Other names: c.257_263dupAGGCCCG (NM_004304.4); short protein forms S90fs.
Identifiers: ClinVar variation 2741869 (VCV002741869.4), dbSNP rs2465866966, ClinGen allele CA2697547970.

ClinVar aggregate classification (germline): Conflicting classifications of pathogenicity. Review status: criteria provided, conflicting classifications (1 of 4 stars). 2 submissions from 2 submitters: Uncertain significance (1); Likely benign (1). Last evaluated 2025-02-14.

Conditions:
Hereditary cancer-predisposing syndrome. Also called: Hereditary neoplastic syndrome; Hereditary Cancer Syndrome; Neoplastic Syndromes, Hereditary; Tumor predisposition. Identifiers: Orphanet 140162, MedGen C0027672, MeSH D009386, MONDO:0015356.
Neuroblastoma, susceptibility to, 3. Also called: ALK-Related Neuroblastic Tumor Susceptibility. Identifiers: Orphanet 635, MedGen C2751681, MONDO:0013083, OMIM 613014.

Submissions (2):

Ambry Genetics
Classification: Likely benign for Hereditary cancer-predisposing syndrome. Last evaluated: 2025-02-14. Review status: criteria provided, single submitter. Criteria: Ambry Variant Classification Scheme 2023. Collection method: clinical testing. Allele origin: germline.

Labcorp Genetics (formerly Invitae), Labcorp
Classification: Uncertain significance for Neuroblastoma, susceptibility to, 3. Last evaluated: 2023-05-25. Review status: criteria provided, single submitter. Criteria: Invitae Variant Classification Sherloc (09022015). Collection method: clinical testing. Allele origin: germline.
Comment: In summary, the available evidence is currently insufficient to determine the role of this variant in disease. Therefore, it has been classified as a Variant of Uncertain Significance. This variant has not been reported in the literature in individuals affected with ALK-related conditions. This variant is not present in population databases (gnomAD no frequency). This sequence change creates a premature translational stop signal (p.Ser90Profs*138) in the ALK gene. It is expected to result in an absent or disrupted protein product. However, the current clinical and genetic evidence is not sufficient to establish whether loss-of-function variants in ALK cause disease.